The following is an entry in ClinVar:

NM_001148.6(ANK2):c.10375C>G (p.Pro3459Ala)

Gene: ANK2 (ankyrin 2; plus strand). Cytogenetic location: 4q26.
Variant type: single nucleotide variant.
Coding change: c.10375C>G on transcript NM_001148.6 (MANE Select); coding-DNA position 10375, C replaced by G.
Protein change: p.Pro3459Ala; replaces proline 3459 with alanine.
Molecular consequence: missense variant. On other transcripts: intron variant (68).
Genome position (GRCh38, 1-based): chr4:113,358,993, C>G. VCF-style: chr4-113358993-C-G. GRCh37 (hg19) VCF-style: chr4-114280149-C-G.
Other names: c.10141C>G, p.Pro3381Ala (NM_001386142.1); c.6775C>G, p.Pro2259Ala (NM_001386166.1); c.10516C>G, p.Pro3506Ala (NM_001386174.1); c.10492C>G, p.Pro3498Ala (NM_001386175.1); c.4412-1830C>G (NM_001386186.2, NM_001386148.2); c.4214-1830C>G (NM_001354269.3); c.4292-1830C>G (NM_001386187.2); c.4253-1830C>G (NM_001386147.1); and 35 more; short protein forms P3459A, P3498A, P3506A, P3381A, P2259A.
Identifiers: ClinVar variation 1027748 (VCV001027748.5), dbSNP rs761631834, ClinGen allele CA103818011.

ClinVar aggregate classification (germline): Uncertain significance. Review status: criteria provided, multiple submitters, no conflicts (2 of 4 stars). 4 submissions from 4 submitters: Uncertain significance (4). Last evaluated 2024-11-15.

Conditions:
Cardiovascular phenotype. Identifiers: MedGen CN230736.
Cardiac arrhythmia, ankyrin-B-related. Also called: ANKYRIN-B SYNDROME. Identifiers: Orphanet 101016, Orphanet 768, MedGen C1970119, MONDO:0010958, OMIM 600919.

Submissions (4):

Blueprint Genetics
Classification: Uncertain significance. Last evaluated: 2024-11-15. Review status: criteria provided, single submitter. Criteria: ACMG Guidelines, 2015. Collection method: clinical testing. Allele origin: germline.

Fulgent Genetics
Classification: Uncertain significance for Cardiac arrhythmia, ankyrin-B-related. Last evaluated: 2021-09-13. Review status: criteria provided, single submitter. Criteria: ACMG Guidelines, 2015. Collection method: clinical testing. Allele origin: unknown.

Ambry Genetics
Classification: Uncertain significance for Cardiovascular phenotype. Last evaluated: 2020-06-30. Review status: criteria provided, single submitter. Criteria: Ambry Variant Classification Scheme 2023. Collection method: clinical testing. Allele origin: germline.
Comment: The p.P3459A variant (also known as c.10375C>G), located in coding exon 38 of the ANK2 gene, results from a C to G substitution at nucleotide position 10375. This exon is expressed solely in brain (Mohler PJ et al. Circulation. 2007;115(4):432-41). The proline at codon 3459 is replaced by alanine, an amino acid with highly similar properties. This amino acid position is well conserved in available vertebrate species. In addition, the in silico prediction for this alteration is inconclusive. Since supporting evidence is limited at this time, the clinical significance of this alteration remains unclear.

Baylor Genetics
Classification: Uncertain significance for Cardiac arrhythmia, ankyrin-B-related. Last evaluated: 2019-10-10. Review status: criteria provided, single submitter. Criteria: ACMG Guidelines, 2015. Collection method: clinical testing. Allele origin: unknown. Affected: yes.
Comment: This variant was determined to be of uncertain significance according to ACMG Guidelines, 2015 [PMID:25741868].